The following is an entry in ClinVar:

ClinVar aggregate classification (germline): Likely pathogenic (1 of 4 stars; one submission).

Conditions:
Telangiectasia, hereditary hemorrhagic, type 2 (HHT2). Also called: ACVRL1-Related Hereditary Hemorrhagic Telangiectasia; Telangiectasia, hereditary hemorrhagic, type II. Identifiers: Orphanet 774, MedGen C1838163, MONDO:0010880, OMIM 600376. Disease mechanism: loss of function.

Submission:

Labcorp Genetics (formerly Invitae), Labcorp
Classification: Likely pathogenic for Telangiectasia, hereditary hemorrhagic, type 2. Last evaluated: 2023-06-17. Review status: criteria provided, single submitter. Criteria: Invitae Variant Classification Sherloc (09022015). Collection method: clinical testing. Allele origin: germline.
Comment: This variant affects a cysteine residue located within the ACVRL1 protein ectodomain. Cysteine residues in this domain of ACVRL1 are involved in the formation of disulfide bridges critical for protein structure and stability (PMID: 22028876, 22718755, 22799562). In addition, missense substitutions within the ACVRL1 ectodomain affecting cysteine residues are overrepresented in patients with HHT (PMID: 20501893, 26176610 and an online resource). In summary, the currently available evidence indicates that the variant is pathogenic, but additional data are needed to prove that conclusively. Therefore, this variant has been classified as Likely Pathogenic. This variant disrupts the p.Cys69 amino acid residue in ACVRL1. Other variant(s) that disrupt this residue have been determined to be pathogenic (PMID: 16705692; Invitae). This suggests that this residue is clinically significant, and that variants that disrupt this residue are likely to be disease-causing. Advanced modeling of protein sequence and biophysical properties (such as structural, functional, and spatial information, amino acid conservation, physicochemical variation, residue mobility, and thermodynamic stability) performed at Invitae indicates that this missense variant is expected to disrupt ACVRL1 protein function. This missense change has been observed in individual(s) with clinical features of hereditary hemorrhagic telangiectasia (Invitae). This variant is not present in population databases (gnomAD no frequency). This sequence change replaces cysteine, which is neutral and slightly polar, with glycine, which is neutral and non-polar, at codon 69 of the ACVRL1 protein (p.Cys69Gly).

Literature cited by the submitters: PubMed 22028876; PubMed 22718755; PubMed 22799562; PubMed 20501893; PubMed 26176610; PubMed 16705692.

NM_000020.3(ACVRL1):c.205T>G (p.Cys69Gly)

Gene: ACVRL1 (activin A receptor like type 1; plus strand). Cytogenetic location: 12q13.13.
Variant type: single nucleotide variant.
Coding change: c.205T>G on transcript NM_000020.3 (MANE Select); coding-DNA position 205, T replaced by G.
Protein change: p.Cys69Gly; replaces cysteine 69 with glycine.
Molecular consequence: missense variant. On other transcripts: intron variant (1).
Genome position (GRCh38, 1-based): chr12:51,913,242, T>G. VCF-style: chr12-51913242-T-G. GRCh37 (hg19) VCF-style: chr12-52307026-T-G.
Other names: c.205T>G, p.Cys69Gly (NM_001077401.2, NM_001406487.1, NM_001406488.1 and 6 more transcripts); c.61+707T>G (NM_001406495.1); short protein forms C69G.
Identifiers: ClinVar variation 2718224 (VCV002718224.3), dbSNP rs2139065261, ClinGen allele CA384897897.